The following is an entry in ClinVar:

ClinVar aggregate classification (germline): Likely benign (0 of 4 stars; one submission).

Conditions:
MYO18A-related disorder. Also called: MYO18A-related condition.

Allele frequency attached by ClinVar (database versions not stated): gnomAD exomes 0.00011; ExAC 0.00032; gnomAD 0.00112; ESP Exome Variant Server 0.00137; TOPMed 0.00139; 1000 Genomes Project 0.00180; 1000 Genomes Project 30x 0.00187.
gnomAD v4.1: 356 of 1,613,916 alleles (0.022%); highest among the groups gnomAD compares: African/African-American, 0.41%; no homozygotes.

Submission:

PreventionGenetics, part of Exact Sciences
Classification: Likely benign for MYO18A-related condition. Last evaluated: 2022-02-10. Review status: no assertion criteria provided. Collection method: clinical testing. Allele origin: germline.
Comment: This variant is classified as likely benign based on ACMG/AMP sequence variant interpretation guidelines (Richards et al. 2015 PMID: 25741868, with internal and published modifications).

NM_078471.4(MYO18A):c.5207G>A (p.Arg1736His)

Gene: MYO18A (myosin XVIIIA; minus strand). Cytogenetic location: 17q11.2.
Variant type: single nucleotide variant.
Coding change: c.5207G>A on transcript NM_078471.4 (MANE Select); coding-DNA position 5207, G replaced by A.
Protein change: p.Arg1736His; replaces arginine 1736 with histidine.
Molecular consequence: missense variant.
Genome position (GRCh38, 1-based): chr17:29,090,907, C>T on the plus strand (G>A on the coding strand, the complement: MYO18A is on the minus strand). VCF-style: chr17-29090907-C-T. GRCh37 (hg19) VCF-style: chr17-27417925-C-T.
Other names: c.5264G>A, p.Arg1755His (NM_001346765.2); c.5243G>A, p.Arg1748His (NM_001346766.2); c.5096G>A, p.Arg1699His (NM_001346767.2); c.3833G>A, p.Arg1278His (NM_001346768.2); c.5207G>A, p.Arg1736His (NM_203318.2); short protein forms R1278H, R1699H, R1736H, R1748H, R1755H.
Identifiers: ClinVar variation 3046335 (VCV003046335.2), dbSNP rs115455253, ClinGen allele CA8472044.